The following is an entry in ClinVar:

ClinVar aggregate classification (germline): Conflicting classifications of pathogenicity. Review status: criteria provided, conflicting classifications (1 of 4 stars). 2 submissions from 2 submitters: Uncertain significance (1); Likely benign (1). Last evaluated 2023-11-02.

Conditions:
Inborn genetic diseases. Identifiers: MedGen C0950123, MeSH D030342.

Allele frequency attached by ClinVar (database versions not stated): TOPMed 0.00001; gnomAD 0.00003; gnomAD exomes 0.00004; ESP Exome Variant Server 0.00015; 1000 Genomes Project 0.00020; ExAC 0.00024; 1000 Genomes Project 30x 0.00031.
gnomAD v4.1: 66 of 1,576,826 alleles (0.0042%); highest among the groups gnomAD compares: South Asian, 0.044%; no homozygotes.

Submissions (2):

Ambry Genetics
Classification: Likely benign for Inborn genetic diseases. Last evaluated: 2023-11-02. Review status: criteria provided, single submitter. Criteria: Ambry Variant Classification Scheme 2023. Collection method: clinical testing. Allele origin: germline.

Labcorp Genetics (formerly Invitae), Labcorp
Classification: Uncertain significance. Last evaluated: 2022-08-10. Review status: criteria provided, single submitter. Criteria: Invitae Variant Classification Sherloc (09022015). Collection method: clinical testing. Allele origin: germline.
Comment: In summary, the available evidence is currently insufficient to determine the role of this variant in disease. Therefore, it has been classified as a Variant of Uncertain Significance. Algorithms developed to predict the effect of missense changes on protein structure and function output the following: SIFT: "Deleterious"; PolyPhen-2: "Benign"; Align-GVGD: "Class C0". The leucine amino acid residue is found in multiple mammalian species, which suggests that this missense change does not adversely affect protein function. This sequence change replaces proline, which is neutral and non-polar, with leucine, which is neutral and non-polar, at codon 453 of the AHDC1 protein (p.Pro453Leu). This variant is present in population databases (rs370503329, gnomAD 0.04%), and has an allele count higher than expected for a pathogenic variant. This variant has not been reported in the literature in individuals affected with AHDC1-related conditions.

NM_001371928.1(AHDC1):c.1358C>T (p.Pro453Leu)

Gene: AHDC1 (AT-hook DNA binding motif containing 1; minus strand). Cytogenetic location: 1p36.11.
Variant type: single nucleotide variant.
Coding change: c.1358C>T on transcript NM_001371928.1 (MANE Select); coding-DNA position 1358, C replaced by T.
Protein change: p.Pro453Leu; replaces proline 453 with leucine.
Molecular consequence: missense variant.
Genome position (GRCh38, 1-based): chr1:27,550,758, G>A on the plus strand (C>T on the coding strand, the complement: AHDC1 is on the minus strand). VCF-style: chr1-27550758-G-A. GRCh37 (hg19) VCF-style: chr1-27877269-G-A.
Other names: c.1358C>T (NM_001029882.2); c.1358C>T, p.Pro453Leu (NM_001029882.3); short protein forms P453L.
Identifiers: ClinVar variation 1979303 (VCV001979303.5), dbSNP rs370503329, ClinGen allele CA715960.